The following is an entry in ClinVar:

NM_003049.4(SLC10A1):c.456C>A (p.Asp152Glu)

Gene: SLC10A1 (solute carrier family 10 member 1; minus strand). Cytogenetic location: 14q24.1.
Variant type: single nucleotide variant.
Coding change: c.456C>A on transcript NM_003049.4 (MANE Select); coding-DNA position 456, C replaced by A.
Protein change: p.Asp152Glu; replaces aspartic acid 152 with glutamic acid.
Molecular consequence: missense variant.
Genome position (GRCh38, 1-based): chr14:69,786,208, G>T on the plus strand (C>A on the coding strand, the complement: SLC10A1 is on the minus strand). VCF-style: chr14-69786208-G-T. GRCh37 (hg19) VCF-style: chr14-70252925-G-T.
Other names: short protein forms D152E.
Identifiers: ClinVar variation 4990688 (VCV004990688.1).

ClinVar aggregate classification (germline): Uncertain significance (1 of 4 stars; one submission).

Conditions:
SLC10A1-related disorder. Also called: SLC10A1-related condition.

gnomAD v4.1: 13 of 1,613,694 alleles (0.00081%); highest among the groups gnomAD compares: Admixed American, 0.015%; no homozygotes.

Submission:

PreventionGenetics, part of Exact Sciences
Classification: Uncertain significance for SLC10A1-related condition. Last evaluated: 2026-07-03. Review status: criteria provided, single submitter. Criteria: ACMG Guidelines, 2015. Collection method: clinical testing. Allele origin: germline.
Comment: The SLC10A1 c.456C>A variant is predicted to result in the amino acid substitution p.Asp152Glu. To our knowledge, this variant has not been reported in the literature. This variant is reported in 0.0058% of alleles in individuals of Latino descent in gnomAD. At this time, the clinical significance of this variant is uncertain due to the absence of conclusive functional and genetic evidence.